The following is an entry in ClinVar:

NM_006796.3(AFG3L2):c.11_12delinsAT (p.Arg4His)

Gene: AFG3L2 (AFG3 like matrix AAA peptidase subunit 2; minus strand). Cytogenetic location: 18p11.21.
Variant type: Indel.
Coding change: c.11_12delinsAT on transcript NM_006796.3 (MANE Select); coding-DNA positions 11 to 12, GC replaced by AT.
Protein change: p.Arg4His; replaces arginine 4 with histidine.
Molecular consequence: missense variant.
Genome position (GRCh38, 1-based): chr18:12,377,071-12,377,072, GC replaced by AT on the plus strand (GC replaced by AT on the coding strand, the reverse complement: AFG3L2 is on the minus strand). VCF-style: chr18-12377071-GC-AT. GRCh37 (hg19) VCF-style: chr18-12377070-GC-AT.
Other names: short protein forms R4H.
Identifiers: ClinVar variation 3637531 (VCV003637531.2).

ClinVar aggregate classification (germline): Uncertain significance (1 of 4 stars; one submission).

Submission:

Labcorp Genetics (formerly Invitae), Labcorp
Classification: Uncertain significance. Last evaluated: 2024-12-31. Review status: criteria provided, single submitter. Criteria: Invitae Variant Classification Sherloc (09022015). Collection method: clinical testing. Allele origin: germline.
Comment: This sequence change replaces arginine, which is basic and polar, with histidine, which is basic and polar, at codon 4 of the AFG3L2 protein (p.Arg4His). Information on the frequency of this variant in the gnomAD database is not available, as this variant may be reported differently in the database. This variant has not been reported in the literature in individuals affected with AFG3L2-related conditions. Experimental studies and prediction algorithms are not available or were not evaluated, and the functional significance of this variant is currently unknown. In summary, the available evidence is currently insufficient to determine the role of this variant in disease. Therefore, it has been classified as a Variant of Uncertain Significance.